The following is an entry in ClinVar:

NM_000261.2(MYOC):c.654G>A (p.Glu218=)

Gene: MYOC (myocilin; minus strand). Cytogenetic location: 1q24.3.
Variant type: single nucleotide variant.
Coding change: c.654G>A on transcript NM_000261.2 (MANE Select); coding-DNA position 654, G replaced by A.
Protein change: p.Glu218=; no amino-acid change (glutamic acid 218 retained).
Molecular consequence: synonymous variant.
Genome position (GRCh38, 1-based): chr1:171,638,673, C>T on the plus strand (G>A on the coding strand, the complement: MYOC is on the minus strand). VCF-style: chr1-171638673-C-T. GRCh37 (hg19) VCF-style: chr1-171607813-C-T.
Other names: NM_000261.2:c.654G>A.
Identifiers: ClinVar variation 2442285 (VCV002442285.2), dbSNP rs2527844287, ClinGen allele CA421783387.

ClinVar aggregate classification (germline): Likely benign (3 of 4 stars; one submission).

Conditions:
Open-angle glaucoma. Identifiers: MedGen C0017612, MONDO:0005338, HP:0012108.

Allele frequency attached by ClinVar (database versions not stated): gnomAD exomes below 0.00001.
gnomAD v4.1: 3 of 1,614,126 alleles (0.00019%); highest among the groups gnomAD compares: African/African-American, 0.0013%; no homozygotes.

Submission:

ClinGen Glaucoma Variant Curation Expert Panel
Classification: Likely benign for Open-angle glaucoma. Last evaluated: 2026-01-20. Review status: reviewed by expert panel. Criteria: ClinGen Glaucoma ACMG Specifications V2.0.0 Approved. Collection method: curation. Allele origin: germline. Inheritance: Autosomal dominant inheritance.
Comment: The c.654G>A variant in MYOC is a synonymous variant (p.Glu218=). Although this variant was found in gnomAD (v4.1.0) below the PM2_Supporting allele frequency threshold (≤ 0.0001), the genetic ancestry group from which the variant had been reported (South African) was not well represented in this dataset and the variant has been reported in controls (PMID: 21552496). Thus PM2_Supporting was not applied to this variant. The SpliceAI score = 0, which met the ≤ 0.1 threshold for BP4, suggesting that the variant does not impact MYOC function. This synonymous variant meets BP4, so BP7 is met. There was no functional evidence predicting a damaging or benign impact of this variant on MYOC function. Although probands with primary open angle glaucoma have been reported carrying this variant, PM2_Supporting was not met, therefore PS4 did not apply. In summary, this variant met the criteria to receive a score of -2 and to be classified as likely benign (likely benign classification range -2 to -6, adapted from PMID: 32720330) for primary open angle glaucoma based on the ACMG/AMP criteria met, as specified by the ClinGen Glaucoma VCEP (v2.0.0, 5 Dec 2024): BP4, BP7.